The following is an entry in ClinVar:

ClinVar aggregate classification (germline): Uncertain significance (1 of 4 stars; one submission).

Conditions:
Hereditary cancer-predisposing syndrome. Also called: Neoplastic Syndromes, Hereditary; Tumor predisposition; Hereditary neoplastic syndrome; Hereditary Cancer Syndrome. Identifiers: Orphanet 140162, MedGen C0027672, MeSH D009386, MONDO:0015356.

Submission:

Color Diagnostics, LLC DBA Color Health
Classification: Uncertain significance for Hereditary cancer-predisposing syndrome. Last evaluated: 2023-12-05. Review status: criteria provided, single submitter. Criteria: ACMG Guidelines, 2015. Collection method: clinical testing. Allele origin: germline.
Comment: This missense variant replaces cysteine with phenylalanine at codon 367 of the BRIP1 protein. Computational prediction is inconclusive regarding the impact of this variant on protein structure and function (internally defined REVEL score threshold 0.5 < inconclusive < 0.7, PMID: 27666373). To our knowledge, functional studies have not been reported for this variant. This variant has not been reported in individuals affected with BRIP1-related disorders in the literature. This variant has not been identified in the general population by the Genome Aggregation Database (gnomAD). The available evidence is insufficient to determine the role of this variant in disease conclusively. Therefore, this variant is classified as a Variant of Uncertain Significance.

NM_032043.3(BRIP1):c.1100G>T (p.Cys367Phe)

Gene: BRIP1 (BRCA1 interacting DNA helicase 1; minus strand). Cytogenetic location: 17q23.2.
Variant type: single nucleotide variant.
Coding change: c.1100G>T on transcript NM_032043.3 (MANE Select); coding-DNA position 1100, G replaced by T.
Protein change: p.Cys367Phe; replaces cysteine 367 with phenylalanine.
Molecular consequence: missense variant.
Genome position (GRCh38, 1-based): chr17:61,801,293, C>A on the plus strand (G>T on the coding strand, the complement: BRIP1 is on the minus strand). VCF-style: chr17-61801293-C-A. GRCh37 (hg19) VCF-style: chr17-59878654-C-A.
Other names: short protein forms C367F.
Identifiers: ClinVar variation 629088 (VCV000629088.5), dbSNP rs1567831581, ClinGen allele CA400483930.
Genomic context (GRCh38, chr17:61,801,293, plus strand): 5'-ATTTTTACACATATACTCACACTTTCCCTTATTTGTGCATCTAGAAGATAGTTGTAGGGA[C>A]AAAATATGATGTCAGCATCTTGTATTAGTTCTCGGGCTGTGTAATATGGACAGGCCTTTA-3'
Protein context (NP_114432.2, residues 357-377): ELIQDADIIF[Cys367Phe]PYNYLLDAQI